The following is an entry in ClinVar:

ClinVar aggregate classification (germline): Pathogenic (1 of 4 stars; one submission).

Conditions:
Ehlers-Danlos syndrome, dermatosparaxis type. Also called: EDS VIIC; Dermatosparaxis; Ehlers-Danlos syndrome, type VII, autosomal recessive. Identifiers: Orphanet 1901, MedGen C2700425, MONDO:0009161, OMIM 225410.

Submission:

Myriad Genetics, Inc.
Classification: Pathogenic for Ehlers-Danlos syndrome, dermatosparaxis type. Last evaluated: 2024-05-14. Review status: criteria provided, single submitter. Criteria: Myriad Autosomal Dominant, Autosomal Recessive and X-Linked Classification Criteria (2023). Collection method: clinical testing. Allele origin: unknown.
Comment: NM_014244.4(ADAMTS2):c.69_70ins10(P24Kfs*45) is expected to be pathogenic in the context of Ehlers-Danlos syndrome, ADAMTS2-related. This variant is predicted to lead to an abnormal or absent protein product due to the creation of a premature termination codon in ADAMTS2, a gene where loss-of-function variants are known to be pathogenic. Please note: this variant was assessed in the context of healthy population screening.

NM_014244.5(ADAMTS2):c.69_70insAAGGGGCATT (p.Pro24fs)

Gene: ADAMTS2 (ADAM metallopeptidase with thrombospondin type 1 motif 2; minus strand). Cytogenetic location: 5q35.3.
Variant type: Insertion.
Coding change: c.69_70insAAGGGGCATT on transcript NM_014244.5 (MANE Select); coding-DNA positions 69 to 70, AAGGGGCATT inserted.
Protein change: p.Pro24fs; shifts the reading frame from proline 24.
Molecular consequence: frameshift variant.
Genome position: GRCh38 VCF-style: chr5-179345259-G-GAATGCCCCTT. GRCh37 (hg19) VCF-style: chr5-178772260-G-GAATGCCCCTT.
Other names: c.69_70insAAGGGGCATT, p.Pro24fs (NM_021599.4); short protein forms P24fs.
Identifiers: ClinVar variation 5010657 (VCV005010657.1).
Genomic context (GRCh38, chr5:179,345,259, plus strand): 5'-CGGCGGCGGCGGCGAGCCTGGCGTTCGCGGGCGGCGGCGGCGGCGGCAGGAGCGGCGGCG[G>GAATGCCCCTT]CAGCAGCAGCAGCAGCAGCAGCAGCGCGGGGCAGAGCAGGCGGCGAGCGGCTCCCGCCGG-3'